The following is an entry in ClinVar:

ClinVar aggregate classification (germline): Benign/Likely benign. Review status: criteria provided, multiple submitters, no conflicts (2 of 4 stars). 4 submissions from 4 submitters: Benign (3); Likely benign (1). Last evaluated 2026-01-19.

Conditions:
Microcytic anemia. Identifiers: MedGen C5194182, MONDO:0001245, HP:0001935. Disease mechanism: loss of function.

Allele frequency attached by ClinVar (database versions not stated): gnomAD 0.01166 and 0.01207; TOPMed 0.01227; ESP Exome Variant Server 0.01270; 1000 Genomes Project 0.01378; 1000 Genomes Project 30x 0.01437.
gnomAD v4.1: 3,118 of 1,185,600 alleles (0.26%); highest among the groups gnomAD compares: African/African-American, 4.8%; 66 homozygotes.

Submissions (4):

Labcorp Genetics (formerly Invitae), Labcorp
Classification: Benign. Last evaluated: 2026-01-19. Review status: criteria provided, single submitter. Criteria: Invitae Variant Classification Sherloc (09022015). Collection method: clinical testing. Allele origin: germline.

Mayo Clinic Laboratories, Mayo Clinic
Classification: Likely benign. Last evaluated: 2025-12-08. Review status: criteria provided, single submitter. Criteria: ACMG Guidelines, 2015. Collection method: clinical testing. Allele origin: germline. Observed: 7 variant alleles.
Comment: BS1, BS2, BP4

Illumina Laboratory Services, Illumina
Classification: Benign for Iron-refractory iron deficiency anemia. Last evaluated: 2018-01-13. Review status: criteria provided, single submitter. Criteria: ICSL Variant Classification Criteria 13 December 2019. Collection method: clinical testing. Allele origin: germline.
Comment: This variant was observed in the ICSL laboratory as part of a predisposition screen in an ostensibly healthy population. It had not been previously curated by ICSL or reported in the Human Gene Mutation Database (HGMD: prior to June 1st, 2018), and was therefore a candidate for classification through an automated scoring system. Utilizing variant allele frequency, disease prevalence and penetrance estimates, and inheritance mode, an automated score was calculated to assess if this variant is too frequent to cause the disease. Based on the score and internal cut-off values, a variant classified as benign is not then subjected to further curation. The score for this variant resulted in a classification of benign for this disease.

Breakthrough Genomics
Classification: Benign. Review status: criteria provided, single submitter. Criteria: ACMG Guidelines, 2015. Collection method: not provided. Allele origin: germline. Inheritance: Autosomal recessive inheritance. Affected: yes.

NM_001374504.1(TMPRSS6):c.836C>T (p.Ser279Leu)

Gene: TMPRSS6 (transmembrane serine protease 6; minus strand). Cytogenetic location: 22q12.3.
Variant type: single nucleotide variant.
Coding change: c.836C>T on transcript NM_001374504.1 (MANE Select); coding-DNA position 836, C replaced by T.
Protein change: p.Ser279Leu; replaces serine 279 with leucine.
Molecular consequence: missense variant.
Genome position (GRCh38, 1-based): chr22:37,089,578, G>A on the plus strand (C>T on the coding strand, the complement: TMPRSS6 is on the minus strand). VCF-style: chr22-37089578-G-A. GRCh37 (hg19) VCF-style: chr22-37485618-G-A.
Other names: c.836C>T, p.Ser279Leu (NM_001289000.2, NM_001289001.2, NM_153609.4); short protein forms S288L, S279L.
Identifiers: ClinVar variation 341595 (VCV000341595.15), dbSNP rs5995378, ClinGen allele CA10215902.